The following is an entry in ClinVar:

ClinVar aggregate classification (germline): Uncertain significance (1 of 4 stars; one submission).

Conditions:
Catecholaminergic polymorphic ventricular tachycardia 1. Also called: RYR2-Related Catecholaminergic Polymorphic Ventricular Tachycardia; VENTRICULAR TACHYCARDIA, CATECHOLAMINERGIC POLYMORPHIC, 1, WITH OR WITHOUT ATRIAL DYSFUNCTION AND/OR DILATED CARDIOMYOPATHY; VENTRICULAR TACHYCARDIA, STRESS-INDUCED POLYMORPHIC 1. Identifiers: Orphanet 3286, MedGen C1631597, MONDO:0011484, OMIM 604772.

Allele frequency attached by ClinVar (database versions not stated): gnomAD exomes below 0.00001; TOPMed 0.00001.
gnomAD v4.1: 2 of 1,597,224 alleles (0.00013%); highest among the groups gnomAD compares: South Asian, 0.0011%; no homozygotes.

Submission:

Labcorp Genetics (formerly Invitae), Labcorp
Classification: Uncertain significance for Catecholaminergic polymorphic ventricular tachycardia 1. Last evaluated: 2022-08-21. Review status: criteria provided, single submitter. Criteria: Invitae Variant Classification Sherloc (09022015). Collection method: clinical testing. Allele origin: germline.
Comment: This sequence change falls in intron 9 of the CASQ2 gene. It does not directly change the encoded amino acid sequence of the CASQ2 protein. It affects a nucleotide within the consensus splice site. This variant is present in population databases (no rsID available, gnomAD 0.003%). This variant has not been reported in the literature in individuals affected with CASQ2-related conditions. Variants that disrupt the consensus splice site are a relatively common cause of aberrant splicing (PMID: 17576681, 9536098). Algorithms developed to predict the effect of sequence changes on RNA splicing suggest that this variant is not likely to affect RNA splicing. In summary, the available evidence is currently insufficient to determine the role of this variant in disease. Therefore, it has been classified as a Variant of Uncertain Significance.

Literature cited by the submitters: PubMed 17576681; PubMed 9536098.

NM_001232.4(CASQ2):c.939+3G>A

Gene: CASQ2 (calsequestrin 2; minus strand). Cytogenetic location: 1p13.1.
Variant type: single nucleotide variant.
Coding change: c.939+3G>A on transcript NM_001232.4 (MANE Select); 3 bases into the intron after coding-DNA position 939, G replaced by A.
Molecular consequence: intron variant.
Genome position (GRCh38, 1-based): chr1:115,705,189, C>T on the plus strand (G>A on the coding strand, the complement: CASQ2 is on the minus strand). VCF-style: chr1-115705189-C-T. GRCh37 (hg19) VCF-style: chr1-116247810-C-T.
Identifiers: ClinVar variation 1977755 (VCV001977755.2), dbSNP rs1213925498, ClinGen allele CA525430129.